The following is an entry in ClinVar:

NM_030665.4(RAI1):c.648C>G (p.Phe216Leu)

Gene: RAI1 (retinoic acid induced 1; plus strand). Cytogenetic location: 17p11.2.
Variant type: single nucleotide variant.
Coding change: c.648C>G on transcript NM_030665.4 (MANE Select); coding-DNA position 648, C replaced by G.
Protein change: p.Phe216Leu; replaces phenylalanine 216 with leucine.
Molecular consequence: missense variant.
Genome position (GRCh38, 1-based): chr17:17,793,596, C>G. VCF-style: chr17-17793596-C-G. GRCh37 (hg19) VCF-style: chr17-17696910-C-G.
Other names: short protein forms F216L.
Identifiers: ClinVar variation 1801989 (VCV001801989.5), dbSNP rs144217984, ClinGen allele CA288367170.

ClinVar aggregate classification (germline): Uncertain significance. Review status: criteria provided, multiple submitters, no conflicts (2 of 4 stars). 3 submissions from 3 submitters: Uncertain significance (3). Last evaluated 2025-12-17.

Conditions:
RAI1-related disorder. Also called: RAI1-related condition.

Allele frequency attached by ClinVar (database versions not stated): gnomAD 0.00003; TOPMed 0.00003; ESP Exome Variant Server 0.00008; 1000 Genomes Project 30x 0.00016.
gnomAD v4.1: 5 of 1,613,718 alleles (0.00031%); highest among the groups gnomAD compares: African/African-American, 0.0053%; no homozygotes.

Submissions (3):

PreventionGenetics, part of Exact Sciences
Classification: Uncertain significance for RAI1-related condition. Last evaluated: 2025-12-17. Review status: criteria provided, single submitter. Criteria: ACMG Guidelines, 2015. Collection method: clinical testing. Allele origin: germline.
Comment: The RAI1 c.648C>G variant is predicted to result in the amino acid substitution p.Phe216Leu. To our knowledge, this variant has not been reported in the literature. This variant is reported in one out of ~31,300 alleles in gnomAD. At this time, the clinical significance of this variant is uncertain due to the absence of conclusive functional and genetic evidence.

Labcorp Genetics (formerly Invitae), Labcorp
Classification: Uncertain significance. Last evaluated: 2024-02-04. Review status: criteria provided, single submitter. Criteria: Invitae Variant Classification Sherloc (09022015). Collection method: clinical testing. Allele origin: germline.
Comment: This sequence change replaces phenylalanine, which is neutral and non-polar, with leucine, which is neutral and non-polar, at codon 216 of the RAI1 protein (p.Phe216Leu). This variant is not present in population databases (gnomAD no frequency). This variant has not been reported in the literature in individuals affected with RAI1-related conditions. ClinVar contains an entry for this variant (Variation ID: 1801989). Advanced modeling of protein sequence and biophysical properties (such as structural, functional, and spatial information, amino acid conservation, physicochemical variation, residue mobility, and thermodynamic stability) performed at Invitae indicates that this missense variant is not expected to disrupt RAI1 protein function with a negative predictive value of 80%. In summary, the available evidence is currently insufficient to determine the role of this variant in disease. Therefore, it has been classified as a Variant of Uncertain Significance.

GeneDx
Classification: Uncertain significance. Last evaluated: 2022-05-31. Review status: criteria provided, single submitter. Criteria: GeneDx Variant Classification Process June 2021. Collection method: clinical testing. Allele origin: germline. Affected: yes.
Comment: In silico analysis supports that this missense variant has a deleterious effect on protein structure/function; Has not been previously published as pathogenic or benign to our knowledge